The following is an entry in ClinVar:

NM_007327.4(GRIN1):c.1927A>G (p.Ile643Val)

Gene: GRIN1 (glutamate ionotropic receptor NMDA type subunit 1; plus strand). Cytogenetic location: 9q34.3.
Variant type: single nucleotide variant.
Coding change: c.1927A>G on transcript NM_007327.4 (MANE Select); coding-DNA position 1927, A replaced by G.
Protein change: p.Ile643Val; replaces isoleucine 643 with valine.
Molecular consequence: missense variant.
Genome position (GRCh38, 1-based): chr9:137,162,653, A>G. VCF-style: chr9-137162653-A-G. GRCh37 (hg19) VCF-style: chr9-140057105-A-G.
Other names: c.1927A>G, p.Ile643Val (NM_000832.7, NM_021569.4); c.1990A>G, p.Ile664Val (NM_001185090.2, NM_001185091.2); short protein forms I643V, I664V.
Identifiers: ClinVar variation 539837 (VCV000539837.10), dbSNP rs1554770243, ClinGen allele CA375720687.

ClinVar aggregate classification (germline): Pathogenic/Likely pathogenic. Review status: criteria provided, multiple submitters, no conflicts (2 of 4 stars). 2 submissions from 2 submitters: Pathogenic (1); Likely pathogenic (1). Last evaluated 2024-10-15.

Conditions:
Neurodevelopmental disorder with or without hyperkinetic movements and seizures, autosomal dominant. Also called: Intellectual disability, autosomal dominant 8. Identifiers: MedGen C3280282, MONDO:0013655, OMIM 614254.
Developmental and epileptic encephalopathy, 1 (DEE1). Also called: INFANTILE SPASM SYNDROME, X-LINKED 1; X-linked infantile spasms; West's syndrome; Tonic spasms with clustering, arrest of psychomotor development and hypsarrhythmia on EEG; X-Linked Infantile Spasm Syndrome; OHTAHARA SYNDROME, X-LINKED. Identifiers: MedGen C3463992, MONDO:0010632, OMIM 308350. Disease mechanism: loss of function.

Submissions (2):

Labcorp Genetics (formerly Invitae), Labcorp
Classification: Pathogenic for Neurodevelopmental disorder with or without hyperkinetic movements and seizures, autosomal dominant. Last evaluated: 2024-10-15. Review status: criteria provided, single submitter. Criteria: Invitae Variant Classification Sherloc (09022015). Collection method: clinical testing. Allele origin: germline.
Comment: This sequence change replaces isoleucine, which is neutral and non-polar, with valine, which is neutral and non-polar, at codon 643 of the GRIN1 protein (p.Ile643Val). This variant is not present in population databases (gnomAD no frequency). This missense change has been observed in individual(s) with clinical features of GRIN1-related conditions (internal data). In at least one individual the variant was observed to be de novo. ClinVar contains an entry for this variant (Variation ID: 539837). Invitae Evidence Modeling of protein sequence and biophysical properties (such as structural, functional, and spatial information, amino acid conservation, physicochemical variation, residue mobility, and thermodynamic stability) indicates that this missense variant is expected to disrupt GRIN1 protein function with a positive predictive value of 95%. For these reasons, this variant has been classified as Pathogenic.

Unidad de Genómica Garrahan, Hospital de Pediatría Garrahan
Classification: Likely pathogenic for Developmental and epileptic encephalopathy, 1. Last evaluated: 2022-12-02. Review status: criteria provided, single submitter. Criteria: ACMG Guidelines, 2015. Collection method: clinical testing. Allele origin: unknown. Inheritance: Autosomal dominant inheritance. Affected: yes.
Comment: The novel genetic variant identified in case (NM_007327.4:c.1927A>G-p.Ile643Val) affects a highly conserved amino acid in the second segment (S2) of the extracellular LBD involved in binding the co-agonists glutamate and glycine/D-serine. Specifically, the Ile643 position is located in the loop that connects the LBD with the TMD, a loop that is also involved in the interaction between subunits of the NMDA. In turn, in a previous study in which pathogenic and non-pathogenic variants were mapped to the structure of NMDA, it was shown that this loop is extremely critical and that all the variants reported in this region affect protein function. Therefore, the structural prediction would be pathogenic; however, since we do not have functional studies that demonstrate the gain or loss of function, the variant was classified as likely pathogenic according to the ACMG guidelines (PM1, PM2, PP2, PP3).

heterozygous